The following is an entry in ClinVar:

ClinVar aggregate classification (germline): Uncertain significance (1 of 4 stars; one submission).

Conditions:
EP300-related disorder. Also called: EP300-related condition; EP300-related disorders.

Submission:

PreventionGenetics, part of Exact Sciences
Classification: Uncertain significance for EP300-related condition. Last evaluated: 2026-09-15. Review status: criteria provided, single submitter. Criteria: ACMG Guidelines, 2015. Collection method: clinical testing. Allele origin: germline.
Comment: The EP300 c.4129C>T variant is predicted to result in the amino acid substitution p.His1377Tyr. To our knowledge, this variant has not been reported in the literature or in a large population database (gnomAD), indicating this variant is rare. At this time, the clinical significance of this variant is uncertain due to the absence of conclusive functional and genetic evidence.

NM_001429.4(EP300):c.4129C>T (p.His1377Tyr)

Gene: EP300 (EP300 lysine acetyltransferase; plus strand). Cytogenetic location: 22q13.2.
Variant type: single nucleotide variant.
Coding change: c.4129C>T on transcript NM_001429.4 (MANE Select); coding-DNA position 4129, C replaced by T.
Protein change: p.His1377Tyr; replaces histidine 1377 with tyrosine.
Molecular consequence: missense variant.
Genome position (GRCh38, 1-based): chr22:41,168,824, C>T. VCF-style: chr22-41168824-C-T. GRCh37 (hg19) VCF-style: chr22-41564828-C-T.
Other names: c.4051C>T, p.His1351Tyr (NM_001362843.2); short protein forms H1351Y, H1377Y.
Identifiers: ClinVar variation 4991800 (VCV004991800.1).